The following is an entry in ClinVar:

ClinVar aggregate classification (germline): Uncertain significance (1 of 4 stars; one submission).

Conditions:
Symmetrical dyschromatosis of extremities (DSH). Also called: RETICULATE ACROPIGMENTATION OF DOHI; DYSCHROMATOSIS SYMMETRICA HEREDITARIA 1; SYMMETRIC DYSCHROMATOSIS OF THE EXTREMITIES; Dyschromatosis symmetrica hereditaria. Identifiers: Orphanet 41, MedGen C0406775, MONDO:0007483, OMIM 127400.
Aicardi-Goutieres syndrome 6 (AGS6). Identifiers: Orphanet 51, MedGen C3539013, MONDO:0014007, OMIM 615010.

Allele frequency attached by ClinVar (database versions not stated): TOPMed 0.00001.
gnomAD v4.1: 2 of 1,607,164 alleles (0.00012%); no homozygotes.

Submission:

Labcorp Genetics (formerly Invitae), Labcorp
Classification: Uncertain significance for Aicardi-Goutieres syndrome 6; Symmetrical dyschromatosis of extremities. Last evaluated: 2022-12-18. Review status: criteria provided, single submitter. Criteria: Invitae Variant Classification Sherloc (09022015). Collection method: clinical testing. Allele origin: germline.
Comment: In summary, the available evidence is currently insufficient to determine the role of this variant in disease. Therefore, it has been classified as a Variant of Uncertain Significance. Algorithms developed to predict the effect of missense changes on protein structure and function (SIFT, PolyPhen-2, Align-GVGD) all suggest that this variant is likely to be tolerated. This variant has not been reported in the literature in individuals affected with ADAR-related conditions. This variant is present in population databases (no rsID available, gnomAD no frequency). This sequence change replaces glycine, which is neutral and non-polar, with alanine, which is neutral and non-polar, at codon 96 of the ADAR protein (p.Gly96Ala).

NM_001111.5(ADAR):c.287G>C (p.Gly96Ala)

Gene: ADAR (adenosine deaminase RNA specific; minus strand). Cytogenetic location: 1q21.3.
Variant type: single nucleotide variant.
Coding change: c.287G>C on transcript NM_001111.5 (MANE Select); coding-DNA position 287, G replaced by C.
Protein change: p.Gly96Ala; replaces glycine 96 with alanine.
Molecular consequence: missense variant. On other transcripts: 5 prime UTR variant (3), intron variant (3).
Genome position (GRCh38, 1-based): chr1:154,602,355, C>G on the plus strand (G>C on the coding strand, the complement: ADAR is on the minus strand). VCF-style: chr1-154602355-C-G. GRCh37 (hg19) VCF-style: chr1-154574831-C-G.
Other names: c.-599G>C (NM_001025107.3, NM_001193495.2, NM_001365048.1); c.314G>C, p.Gly105Ala (NM_001365045.1); c.287G>C, p.Gly96Ala (NM_015840.4, NM_015841.4); c.-493+30G>C (NM_001365046.1, NM_001365049.1, NM_001365047.1); short protein forms G105A, G96A.
Identifiers: ClinVar variation 2176169 (VCV002176169.4), dbSNP rs1159444304, ClinGen allele CA342604951.